The following is an entry in ClinVar:

NM_017654.4(SAMD9):c.2970G>T (p.Glu990Asp)

Gene: SAMD9 (sterile alpha motif domain containing 9; minus strand). Cytogenetic location: 7q21.2.
Variant type: single nucleotide variant.
Coding change: c.2970G>T on transcript NM_017654.4 (MANE Select); coding-DNA position 2970, G replaced by T.
Protein change: p.Glu990Asp; replaces glutamic acid 990 with aspartic acid.
Molecular consequence: missense variant.
Genome position (GRCh38, 1-based): chr7:93,103,128, C>A on the plus strand (G>T on the coding strand, the complement: SAMD9 is on the minus strand). VCF-style: chr7-93103128-C-A. GRCh37 (hg19) VCF-style: chr7-92732441-C-A.
Other names: c.2970G>T, p.Glu990Asp (NM_001193307.2); short protein forms E990D.
Identifiers: ClinVar variation 3791984 (VCV003791984.1).

ClinVar aggregate classification (germline): Uncertain significance (1 of 4 stars; one submission).

Conditions:
Inborn genetic diseases. Identifiers: MedGen C0950123, MeSH D030342.

Submission:

Ambry Genetics
Classification: Uncertain significance for Inborn genetic diseases. Last evaluated: 2025-01-08. Review status: criteria provided, single submitter. Criteria: Ambry Variant Classification Scheme 2023. Collection method: clinical testing. Allele origin: germline.
Comment: The p.E990D variant (also known as c.2970G>T), located in coding exon 1 of the SAMD9 gene, results from a G to T substitution at nucleotide position 2970. The glutamic acid at codon 990 is replaced by aspartic acid, an amino acid with highly similar properties. This amino acid position is conserved. In addition, this alteration is predicted to be tolerated by in silico analysis. Based on the available evidence, the clinical significance of this variant remains unclear.